The following is an entry in ClinVar:

ClinVar aggregate classification (germline): Benign/Likely benign. Review status: criteria provided, multiple submitters, no conflicts (2 of 4 stars). 3 submissions from 3 submitters: Benign (2); Likely benign (1). Last evaluated 2026-02-03.

Allele frequency attached by ClinVar (database versions not stated): TOPMed 0.00025; ExAC 0.00052; gnomAD exomes 0.00060 and 0.00012; gnomAD 0.00011 and 0.00013; ESP Exome Variant Server 0.00015.
gnomAD v4.1: 184 of 1,606,884 alleles (0.011%); highest among the groups gnomAD compares: Admixed American, 0.29%; 2 homozygotes.

Submissions (3):

Labcorp Genetics (formerly Invitae), Labcorp
Classification: Benign. Last evaluated: 2026-02-03. Review status: criteria provided, single submitter. Criteria: Invitae Variant Classification Sherloc (09022015). Collection method: clinical testing. Allele origin: germline.

Blueprint Genetics
Classification: Likely benign. Last evaluated: 2022-07-13. Review status: criteria provided, single submitter. Criteria: ACMG Guidelines, 2015. Collection method: clinical testing. Allele origin: germline.

Women's Health and Genetics/Laboratory Corporation of America, LabCorp
Classification: Benign. Last evaluated: 2019-12-10. Review status: criteria provided, single submitter. Criteria: LabCorp Variant Classification Summary - May 2015. Collection method: clinical testing. Allele origin: germline.
Comment: Variant summary: LZTR1 c.1353+17G>A alters a non-conserved nucleotide located close to a canonical splice site and therefore could affect mRNA splicing, leading to a significantly altered protein sequence. 5/5 computational tools predict no significant impact on normal splicing. However, these predictions have yet to be confirmed by functional studies. The variant allele was found at a frequency of 0.0006 in 243326 control chromosomes, predominantly at a frequency of 0.0041 within the Latino subpopulation in the gnomAD database, including 1 homozygotes. The observed variant frequency within Latino control individuals in the gnomAD database is approximately 820 fold of the estimated maximal expected allele frequency for a pathogenic variant in LZTR1 causing Noonan Syndrome and Related Conditions phenotype (5e-06), strongly suggesting that the variant is a benign polymorphism found primarily in populations of Latino origin. To our knowledge, no occurrence of c.1353+17G>A in individuals affected with Noonan Syndrome and Related Conditions and no experimental evidence demonstrating its impact on protein function have been reported. No clinical diagnostic laboratories have submitted clinical-significance assessments for this variant to ClinVar after 2014. Based on the evidence outlined above, the variant was classified as benign.

NM_006767.4(LZTR1):c.1353+17G>A

Gene: LZTR1 (leucine zipper like post translational regulator 1; plus strand). Cytogenetic location: 22q11.21.
Variant type: single nucleotide variant.
Coding change: c.1353+17G>A on transcript NM_006767.4 (MANE Select); 17 bases into the intron after coding-DNA position 1353, G replaced by A.
Molecular consequence: intron variant.
Genome position (GRCh38, 1-based): chr22:20,993,771, G>A. VCF-style: chr22-20993771-G-A. GRCh37 (hg19) VCF-style: chr22-21348060-G-A.
Identifiers: ClinVar variation 928480 (VCV000928480.9), dbSNP rs372409921, ClinGen allele CA10118832.